The following is an entry in ClinVar:

ClinVar aggregate classification (germline): Pathogenic/Likely pathogenic. Review status: criteria provided, multiple submitters, no conflicts (2 of 4 stars). 4 submissions from 4 submitters: Pathogenic (1); Likely pathogenic (3). Last evaluated 2025-10-05.

Conditions:
Oculocutaneous albinism type 1A (OCA1A). Also called: Albinism, oculocutaneous, type IA. Identifiers: Orphanet 352731, Orphanet 79431, MedGen C4551504, MONDO:0008745, OMIM 203100. Disease mechanism: loss of function.
Oculocutaneous albinism type 1B (OCA1B). Also called: YELLOW ALBINISM; ALBINISM, YELLOW MUTANT TYPE; ALBINISM, OCULOCUTANEOUS, TYPE IB. Identifiers: Orphanet 352731, Orphanet 352737, Orphanet 79434, MedGen C1847024, MONDO:0011749, OMIM 606952.
SKIN/HAIR/EYE PIGMENTATION 3, LIGHT/DARK SKIN (SHEP3). Also called: SKIN/HAIR/EYE PIGMENTATION 3, FRECKLING; SKIN/HAIR/EYE PIGMENTATION, VARIATION IN, 3; EYE COLOR 1; EYE COLOR, GREEN/BLUE; SKIN/HAIR/EYE PIGMENTATION 3, BLUE/GREEN EYE COLOR. Identifiers: MedGen C2677190, OMIM 601800.
Oculocutaneous albinism type 1. Also called: Albinism 1; ALBINISM I. Identifiers: Orphanet 352731, MedGen C0268494, MONDO:0018135. Disease mechanism: loss of function.

Submissions (4):

Labcorp Genetics (formerly Invitae), Labcorp
Classification: Pathogenic. Last evaluated: 2025-10-05. Review status: criteria provided, single submitter. Criteria: Invitae Variant Classification Sherloc (09022015). Collection method: clinical testing. Allele origin: germline.
Comment: This sequence change replaces proline, which is neutral and non-polar, with leucine, which is neutral and non-polar, at codon 301 of the TYR protein (p.Pro301Leu). This variant is not present in population databases (gnomAD no frequency). This missense change has been observed in individual(s) with ocular albinism (PMID: 26167114; internal data). In at least one individual the data is consistent with being in trans (on the opposite chromosome) from a pathogenic variant. ClinVar contains an entry for this variant (Variation ID: 190217). Invitae Evidence Modeling of protein sequence and biophysical properties (such as structural, functional, and spatial information, amino acid conservation, physicochemical variation, residue mobility, and thermodynamic stability) indicates that this missense variant is expected to disrupt TYR protein function with a positive predictive value of 95%. For these reasons, this variant has been classified as Pathogenic.

Fulgent Genetics
Classification: Likely pathogenic for Oculocutaneous albinism type 1A; SKIN/HAIR/EYE PIGMENTATION 3, LIGHT/DARK SKIN; Oculocutaneous albinism type 1B. Last evaluated: 2024-01-19. Review status: criteria provided, single submitter. Criteria: ACMG Guidelines, 2015. Collection method: clinical testing. Allele origin: germline.

Science and Research Branch, Islamic Azad University, Islamic Azad University
Classification: Likely pathogenic for OCA1. Last evaluated: 2014-09-11. Review status: criteria provided, single submitter. Criteria: Submitter's publication. Collection method: clinical testing. Allele origin: germline. Affected: yes. Observed: 1 variant allele.

Clinical Genetics Service, Universitary Hospital 12 de Octubre
Classification: Likely pathogenic for Oculocutaneous albinism type 1A. Review status: criteria provided, single submitter. Criteria: ACMG Guidelines, 2015. Collection method: clinical testing. Allele origin: germline. Affected: yes.

Literature cited by the submitters: PubMed 26167114 (cited by Labcorp Genetics (formerly Invitae), Labcorp).

NM_000372.5(TYR):c.902C>T (p.Pro301Leu)

Gene: TYR (tyrosinase; plus strand). Cytogenetic location: 11q14.3.
Variant type: single nucleotide variant.
Coding change: c.902C>T on transcript NM_000372.5 (MANE Select); coding-DNA position 902, C replaced by T.
Protein change: p.Pro301Leu; replaces proline 301 with leucine.
Molecular consequence: missense variant.
Genome position (GRCh38, 1-based): chr11:89,191,284, C>T. VCF-style: chr11-89191284-C-T. GRCh37 (hg19) VCF-style: chr11-88924452-C-T.
Other names: short protein forms P301L.
Identifiers: ClinVar variation 190217 (VCV000190217.8), dbSNP rs796051880, ClinGen allele CA275917.